The following is an entry in ClinVar:

NM_001144000.4(AGAP5):c.396+8A>G

Gene: AGAP5 (ArfGAP with GTPase domain, ankyrin repeat and PH domain 5; minus strand). Cytogenetic location: 10q22.2.
Variant type: single nucleotide variant.
Coding change: c.396+8A>G on transcript NM_001144000.4 (MANE Select); 8 bases into the intron after coding-DNA position 396, A replaced by G.
Molecular consequence: intron variant.
Genome position (GRCh38, 1-based): chr10:73,692,035, T>C on the plus strand (A>G on the coding strand, the complement: AGAP5 is on the minus strand). VCF-style: chr10-73692035-T-C. GRCh37 (hg19) VCF-style: chr10-75451793-T-C.
Identifiers: ClinVar variation 2640589 (VCV002640589.24), dbSNP rs765878659, ClinGen allele CA5557842.

ClinVar aggregate classification (germline): Likely benign (1 of 4 stars; one submission).

Allele frequency attached by ClinVar (database versions not stated): ExAC 0.00063; gnomAD 0.00208; TOPMed 0.00256; 1000 Genomes Project 30x 0.00515.
gnomAD v4.1: 536 of 1,485,196 alleles (0.036%); highest among the groups gnomAD compares: African/African-American, 0.68%; 3 homozygotes.

Submission:

CeGaT Center for Human Genetics Tuebingen
Classification: Likely benign. Last evaluated: 2022-09-01. Review status: criteria provided, single submitter. Criteria: CeGaT Center For Human Genetics Tuebingen Variant Classification Criteria Version 2. Collection method: clinical testing. Allele origin: germline. Affected: yes. Observed: 1 variant allele.
Comment: AGAP5: BP4